The following is an entry in ClinVar:

NM_014055.4(IFT81):c.1717-8_1717-7insAGACTTC

Gene: IFT81 (intraflagellar transport 81; plus strand). Cytogenetic location: 12q24.11.
Variant type: Insertion.
Coding change: c.1717-8_1717-7insAGACTTC on transcript NM_014055.4 (MANE Select); 8 bases into the intron before coding-DNA position 1717 through 7 bases into the intron before coding-DNA position 1717, AGACTTC inserted.
Molecular consequence: intron variant.
Genome position: GRCh38 VCF-style: chr12-110205584-T-TTTCAGAC. GRCh37 (hg19) VCF-style: chr12-110643389-T-TTTCAGAC.
Other names: c.787-8_787-7insAGACTTC (NM_001347948.2, NM_001347947.2); c.1717-8_1717-7insAGACTTC (NM_001143779.2).
Identifiers: ClinVar variation 1040544 (VCV001040544.8), dbSNP rs1868515030, ClinGen allele CA2062746101.

ClinVar aggregate classification (germline): Uncertain significance (1 of 4 stars; one submission).

Submission:

Labcorp Genetics (formerly Invitae), Labcorp
Classification: Uncertain significance. Last evaluated: 2020-08-25. Review status: criteria provided, single submitter. Criteria: Invitae Variant Classification Sherloc (09022015). Collection method: clinical testing. Allele origin: germline.
Comment: This sequence change falls in intron 16 of the IFT81 gene. It does not directly change the encoded amino acid sequence of the IFT81 protein. This variant is not present in population databases (ExAC no frequency). This variant has not been reported in the literature in individuals with IFT81-related conditions. Algorithms developed to predict the effect of sequence changes on RNA splicing suggest that this variant may disrupt the consensus splice site, but this prediction has not been confirmed by published transcriptional studies. In summary, the available evidence is currently insufficient to determine the role of this variant in disease. Therefore, it has been classified as a Variant of Uncertain Significance.